The following is an entry in ClinVar:

ClinVar aggregate classification (germline): Uncertain significance. Review status: criteria provided, multiple submitters, no conflicts (2 of 4 stars). 2 submissions from 2 submitters: Uncertain significance (2). Last evaluated 2025-06-03.

gnomAD v4.1: 28 of 1,544,820 alleles (0.0018%); highest among the groups gnomAD compares: Middle Eastern, 0.017%; no homozygotes.

Submissions (2):

Labcorp Genetics (formerly Invitae), Labcorp
Classification: Uncertain significance. Last evaluated: 2025-06-03. Review status: criteria provided, single submitter. Criteria: Invitae Variant Classification Sherloc (09022015). Collection method: clinical testing. Allele origin: germline.
Comment: This sequence change replaces leucine, which is neutral and non-polar, with valine, which is neutral and non-polar, at codon 103 of the DTHD1 protein (p.Leu103Val). This variant is present in population databases (no rsID available, gnomAD 0.004%). This variant has not been reported in the literature in individuals affected with DTHD1-related conditions. ClinVar contains an entry for this variant (Variation ID: 1363880). An algorithm developed to predict the effect of missense changes on protein structure and function (PolyPhen-2) suggests that this variant is likely to be disruptive. In summary, the available evidence is currently insufficient to determine the role of this variant in disease. Therefore, it has been classified as a Variant of Uncertain Significance.

Ambry Genetics
Classification: Uncertain significance. Last evaluated: 2024-09-04. Review status: criteria provided, single submitter. Criteria: Ambry Variant Classification Scheme 2023. Collection method: clinical testing. Allele origin: germline.

NM_001170700.3(DTHD1):c.1177C>G (p.Leu393Val)

Gene: DTHD1 (death domain containing 1; plus strand). Cytogenetic location: 4p14.
Variant type: single nucleotide variant.
Coding change: c.1177C>G on transcript NM_001170700.3 (MANE Select); coding-DNA position 1177, C replaced by G.
Protein change: p.Leu393Val; replaces leucine 393 with valine.
Molecular consequence: missense variant. On other transcripts: non-coding transcript variant (2).
Genome position (GRCh38, 1-based): chr4:36,290,662, C>G. VCF-style: chr4-36290662-C-G. GRCh37 (hg19) VCF-style: chr4-36292284-C-G.
Other names: c.307C>G, p.Leu103Val (NM_001136536.5, NM_001378435.1); c.802C>G (NM_001170700.1); short protein forms L103V, L393V.
Identifiers: ClinVar variation 1363880 (VCV001363880.9), dbSNP rs746350889, ClinGen allele CA95767510.
Genomic context (GRCh38, chr4:36,290,662, plus strand): 5'-AGAGGAAATTACAGAGATATCATGGTGAAAGTGTGTGACATAAACCTTCAATCAAGTTAC[C>G]TAAACCCAAATTCACTAGAAGGAATGAAGGGAGGTTATAAGGTTAGTAAATTCTTGGCTA-3'
Protein context (NP_001164171.2, residues 383-403): VCDINLQSSY[Leu393Val]NPNSLEGMKG